The following is an entry in ClinVar:

NM_004329.3(BMPR1A):c.68-18T>C

Gene: BMPR1A (bone morphogenetic protein receptor type 1A; plus strand). Cytogenetic location: 10q23.2.
Variant type: single nucleotide variant.
Coding change: c.68-18T>C on transcript NM_004329.3 (MANE Select); 18 bases into the intron before coding-DNA position 68, T replaced by C.
Molecular consequence: intron variant.
Genome position (GRCh38, 1-based): chr10:86,890,044, T>C. VCF-style: chr10-86890044-T-C. GRCh37 (hg19) VCF-style: chr10-88649801-T-C.
Identifiers: ClinVar variation 383804 (VCV000383804.12), dbSNP rs1057521738, ClinGen allele CA16605959.
Genomic context (GRCh38, chr10:86,890,044, plus strand): 5'-TTTTTCTCATTGAAAATTGTCACGAAACAATGAGCTTTTCAGAAATGATTTACTTACAAA[T>C]TCCATATTTGAATGCAGGACAGAATCTGGATAGTATGCTTCATGGCACTGGGATGAAATC-3'

ClinVar aggregate classification (germline): Likely benign. Review status: criteria provided, multiple submitters, no conflicts (2 of 4 stars). 4 submissions from 4 submitters: Likely benign (4). Last evaluated 2025-04-09.

Conditions:
Juvenile polyposis syndrome (JPS). Identifiers: Orphanet 2929, MedGen C0345893, MONDO:0017380, OMIM 174900.
Hereditary cancer-predisposing syndrome. Also called: Neoplastic Syndromes, Hereditary; Hereditary neoplastic syndrome; Tumor predisposition; Hereditary Cancer Syndrome. Identifiers: Orphanet 140162, MedGen C0027672, MeSH D009386, MONDO:0015356.

Allele frequency attached by ClinVar (database versions not stated): gnomAD 0.00001; TOPMed 0.00001; gnomAD exomes below 0.00001.
gnomAD v4.1: 1 of 1,611,782 alleles (0.000062%); highest among the groups gnomAD compares: Non-Finnish European, 0.000085%; no homozygotes.

Submissions (4):

Labcorp Genetics (formerly Invitae), Labcorp
Classification: Likely benign for Juvenile polyposis syndrome. Last evaluated: 2025-04-09. Review status: criteria provided, single submitter. Criteria: Invitae Variant Classification Sherloc (09022015). Collection method: clinical testing. Allele origin: germline.

Myriad Genetics, Inc.
Classification: Likely benign for Juvenile polyposis syndrome. Last evaluated: 2024-07-31. Review status: criteria provided, single submitter. Criteria: Myriad Autosomal Dominant, Autosomal Recessive and X-Linked Classification Criteria (2023). Collection method: clinical testing. Allele origin: unknown.
Comment: This variant is considered likely benign. This variant is intronic and is not expected to impact mRNA splicing.

Color Diagnostics, LLC DBA Color Health
Classification: Likely benign for Hereditary cancer-predisposing syndrome. Last evaluated: 2018-03-22. Review status: criteria provided, single submitter. Criteria: ACMG Guidelines, 2015. Collection method: clinical testing. Allele origin: germline.

GeneDx
Classification: Likely benign. Last evaluated: 2016-02-09. Review status: criteria provided, single submitter. Criteria: GeneDx Variant Classification (06012015). Collection method: clinical testing. Allele origin: germline. Affected: yes.
Comment: This variant is considered likely benign or benign based on one or more of the following criteria: it is a conservative change, it occurs at a poorly conserved position in the protein, it is predicted to be benign by multiple in silico algorithms, and/or has population frequency not consistent with disease.